The following is an entry in ClinVar:

NM_153252.5(BRWD3):c.3602+14T>A

Gene: BRWD3 (bromodomain and WD repeat domain containing 3; minus strand). Cytogenetic location: Xq21.1.
Variant type: single nucleotide variant.
Coding change: c.3602+14T>A on transcript NM_153252.5 (MANE Select); 14 bases into the intron after coding-DNA position 3602, T replaced by A.
Molecular consequence: intron variant.
Genome position (GRCh38, 1-based): chrX:80,691,039, A>T on the plus strand (T>A on the coding strand, the complement: BRWD3 is on the minus strand). VCF-style: chrX-80691039-A-T. GRCh37 (hg19) VCF-style: chrX-79946538-A-T.
Identifiers: ClinVar variation 914753 (VCV000914753.15), dbSNP rs73502699, ClinGen allele CA10461815.

ClinVar aggregate classification (germline): Benign. Review status: criteria provided, multiple submitters, no conflicts (2 of 4 stars). 4 submissions from 4 submitters: Benign (4). Last evaluated 2026-02-03.

Conditions:
Intellectual developmental disorder, X-linked 93. Also called: Intellectual disability, X-linked 93; MENTAL RETARDATION, X-LINKED, WITH MACROCEPHALY. Identifiers: MedGen C1970841, MONDO:0010393, OMIM 300659.

Allele frequency attached by ClinVar (database versions not stated): gnomAD 0.03187 and 0.03000; 1000 Genomes Project 30x 0.03580; ExAC 0.00878; gnomAD exomes 0.00972 and 0.00312; TOPMed 0.03484; 1000 Genomes Project 0.03523; ESP Exome Variant Server 0.03601.
gnomAD v4.1: 6,848 of 1,184,928 alleles (0.58%); highest among the groups gnomAD compares: African/African-American, 10%; 261 homozygotes.

Submissions (4):

Labcorp Genetics (formerly Invitae), Labcorp
Classification: Benign. Last evaluated: 2026-02-03. Review status: criteria provided, single submitter. Criteria: Invitae Variant Classification Sherloc (09022015). Collection method: clinical testing. Allele origin: germline.

GeneDx
Classification: Benign. Last evaluated: 2019-01-20. Review status: criteria provided, single submitter. Criteria: GeneDx Variant Classification Process June 2021. Collection method: clinical testing. Allele origin: germline. Affected: yes.

Illumina Laboratory Services, Illumina
Classification: Benign for Intellectual developmental disorder, X-linked 93. Last evaluated: 2018-01-12. Review status: criteria provided, single submitter. Criteria: ICSL Variant Classification Criteria 13 December 2019. Collection method: clinical testing. Allele origin: germline.
Comment: This variant was observed in the ICSL laboratory as part of a predisposition screen in an ostensibly healthy population. It had not been previously curated by ICSL or reported in the Human Gene Mutation Database (HGMD: prior to June 1st, 2018), and was therefore a candidate for classification through an automated scoring system. Utilizing variant allele frequency, disease prevalence and penetrance estimates, and inheritance mode, an automated score was calculated to assess if this variant is too frequent to cause the disease. Based on the score and internal cut-off values, a variant classified as benign is not then subjected to further curation. The score for this variant resulted in a classification of benign for this disease.

Breakthrough Genomics
Classification: Benign. Review status: criteria provided, single submitter. Criteria: ACMG Guidelines, 2015. Collection method: not provided. Allele origin: germline. Inheritance: X-linked inheritance. Affected: yes.